The following is an entry in ClinVar:

NM_018426.3(TMEM63B):c.952C>G (p.His318Asp)

Gene: TMEM63B (transmembrane protein 63B; plus strand). Cytogenetic location: 6p21.1.
Variant type: single nucleotide variant.
Coding change: c.952C>G on transcript NM_018426.3 (MANE Select); coding-DNA position 952, C replaced by G.
Protein change: p.His318Asp; replaces histidine 318 with aspartic acid.
Molecular consequence: missense variant.
Genome position (GRCh38, 1-based): chr6:44,147,465, C>G. VCF-style: chr6-44147465-C-G. GRCh37 (hg19) VCF-style: chr6-44115202-C-G.
Other names: c.952C>G, p.His318Asp (NM_001318792.1); short protein forms H318D.
Identifiers: ClinVar variation 4532637 (VCV004532637.1).

ClinVar aggregate classification (germline): Uncertain significance (1 of 4 stars; one submission).

Submission:

GeneDx
Classification: Uncertain significance. Last evaluated: 2025-06-01. Review status: criteria provided, single submitter. Criteria: GeneDx Variant Classification Process June 2021. Collection method: clinical testing. Allele origin: germline. Affected: yes.
Comment: Not observed at significant frequency in large population cohorts (gnomAD); In silico analysis supports that this missense variant has a deleterious effect on protein structure/function; Has not been previously published as pathogenic or benign to our knowledge